The following is an entry in ClinVar:

ClinVar aggregate classification (germline): Uncertain significance. Review status: criteria provided, multiple submitters, no conflicts (2 of 4 stars). 2 submissions from 2 submitters: Uncertain significance (2). Last evaluated 2025-08-18.

Conditions:
Fanconi anemia (FA). Also called: Fanconi's anemia. Identifiers: Orphanet 84, MedGen C0015625, MeSH D005199, MONDO:0019391.
Fanconi anemia complementation group P. Also called: SLX4-Related Fanconi Anemia. Identifiers: Orphanet 84, MedGen C3469542, MONDO:0013499, OMIM 613951.

Allele frequency attached by ClinVar (database versions not stated): gnomAD 0.00001; gnomAD exomes 0.00001; ExAC 0.00002; TOPMed 0.00002; ESP Exome Variant Server 0.00008; 1000 Genomes Project 0.00020; 1000 Genomes Project 30x 0.00031.
gnomAD v4.1: 24 of 1,613,570 alleles (0.0015%); highest among the groups gnomAD compares: East Asian, 0.0045%; no homozygotes.

Submissions (2):

Labcorp Genetics (formerly Invitae), Labcorp
Classification: Uncertain significance for Fanconi anemia. Last evaluated: 2025-08-18. Review status: criteria provided, single submitter. Criteria: Invitae Variant Classification Sherloc (09022015). Collection method: clinical testing. Allele origin: germline.
Comment: This sequence change replaces arginine, which is basic and polar, with glutamine, which is neutral and polar, at codon 1823 of the SLX4 protein (p.Arg1823Gln). The frequency data for this variant in the population databases is considered unreliable, as metrics indicate poor data quality at this position in the gnomAD database. This missense change has been observed in individual(s) with SLX4-related conditions (PMID: 36041235). ClinVar contains an entry for this variant (Variation ID: 2169849). An algorithm developed to predict the effect of missense changes on protein structure and function outputs the following: PolyPhen-2: "Possibly Damaging". The glutamine amino acid residue is found in multiple mammalian species, which suggests that this missense change does not adversely affect protein function. In summary, the available evidence is currently insufficient to determine the role of this variant in disease. Therefore, it has been classified as a Variant of Uncertain Significance.

Fulgent Genetics
Classification: Uncertain significance for Fanconi anemia complementation group P. Last evaluated: 2024-03-25. Review status: criteria provided, single submitter. Criteria: ACMG Guidelines, 2015. Collection method: clinical testing. Allele origin: germline.

Literature cited by the submitters: PubMed 36041235 (cited by Labcorp Genetics (formerly Invitae), Labcorp).

NM_032444.4(SLX4):c.5468G>A (p.Arg1823Gln)

Gene: SLX4 (SLX4 structure-specific endonuclease subunit; minus strand). Cytogenetic location: 16p13.3.
Variant type: single nucleotide variant.
Coding change: c.5468G>A on transcript NM_032444.4 (MANE Select); coding-DNA position 5468, G replaced by A.
Protein change: p.Arg1823Gln; replaces arginine 1823 with glutamine.
Molecular consequence: missense variant.
Genome position (GRCh38, 1-based): chr16:3,582,379, C>T on the plus strand (G>A on the coding strand, the complement: SLX4 is on the minus strand). VCF-style: chr16-3582379-C-T. GRCh37 (hg19) VCF-style: chr16-3632380-C-T.
Other names: short protein forms R1823Q.
Identifiers: ClinVar variation 2169849 (VCV002169849.4), dbSNP rs372767321, ClinGen allele CA7865296.